The following is an entry in ClinVar:

NM_001029883.3(PCARE):c.2273G>A (p.Cys758Tyr)

Gene: PCARE (photoreceptor cilium actin regulator; minus strand). Cytogenetic location: 2p23.2.
Variant type: single nucleotide variant.
Coding change: c.2273G>A on transcript NM_001029883.3 (MANE Select); coding-DNA position 2273, G replaced by A.
Protein change: p.Cys758Tyr; replaces cysteine 758 with tyrosine.
Molecular consequence: missense variant.
Genome position (GRCh38, 1-based): chr2:29,071,989, C>T on the plus strand (G>A on the coding strand, the complement: PCARE is on the minus strand). VCF-style: chr2-29071989-C-T. GRCh37 (hg19) VCF-style: chr2-29294855-C-T.
Other names: short protein forms C758Y.
Identifiers: ClinVar variation 1047744 (VCV001047744.4), dbSNP rs185637100, ClinGen allele CA1592246.

ClinVar aggregate classification (germline): Uncertain significance (1 of 4 stars; one submission).

Allele frequency attached by ClinVar (database versions not stated): gnomAD 0.00001 and 0.00002; gnomAD exomes 0.00001 and 0.00003; TOPMed 0.00001; ExAC 0.00002; ESP Exome Variant Server 0.00008; 1000 Genomes Project 0.00020; 1000 Genomes Project 30x 0.00031.
gnomAD v4.1: 11 of 1,613,906 alleles (0.00068%); highest among the groups gnomAD compares: East Asian, 0.02%; no homozygotes.

Submission:

Labcorp Genetics (formerly Invitae), Labcorp
Classification: Uncertain significance. Last evaluated: 2022-09-13. Review status: criteria provided, single submitter. Criteria: Invitae Variant Classification Sherloc (09022015). Collection method: clinical testing. Allele origin: germline.
Comment: This sequence change replaces cysteine, which is neutral and slightly polar, with tyrosine, which is neutral and polar, at codon 758 of the PCARE protein (p.Cys758Tyr). The frequency data for this variant in the population databases is considered unreliable, as metrics indicate poor data quality at this position in the gnomAD database. This variant has not been reported in the literature in individuals affected with PCARE-related conditions. ClinVar contains an entry for this variant (Variation ID: 1047744). Algorithms developed to predict the effect of missense changes on protein structure and function output the following: SIFT: "Tolerated"; PolyPhen-2: "Benign"; Align-GVGD: "Class C0". The tyrosine amino acid residue is found in multiple mammalian species, which suggests that this missense change does not adversely affect protein function. In summary, the available evidence is currently insufficient to determine the role of this variant in disease. Therefore, it has been classified as a Variant of Uncertain Significance.